The following is an entry in ClinVar:

NM_003922.4(HERC1):c.1916G>C (p.Gly639Ala)

Gene: HERC1 (HECT and RLD domain containing E3 ubiquitin protein ligase family member 1; minus strand). Cytogenetic location: 15q22.31.
Variant type: single nucleotide variant.
Coding change: c.1916G>C on transcript NM_003922.4 (MANE Select); coding-DNA position 1916, G replaced by C.
Protein change: p.Gly639Ala; replaces glycine 639 with alanine.
Molecular consequence: missense variant.
Genome position (GRCh38, 1-based): chr15:63,749,778, C>G on the plus strand (G>C on the coding strand, the complement: HERC1 is on the minus strand). VCF-style: chr15-63749778-C-G. GRCh37 (hg19) VCF-style: chr15-64041977-C-G.
Other names: short protein forms G639A.
Identifiers: ClinVar variation 1715695 (VCV001715695.5), dbSNP rs2551743577, ClinGen allele CA392803173.

ClinVar aggregate classification (germline): Uncertain significance (1 of 4 stars; one submission).

Submission:

Labcorp Genetics (formerly Invitae), Labcorp
Classification: Uncertain significance. Last evaluated: 2022-08-22. Review status: criteria provided, single submitter. Criteria: Invitae Variant Classification Sherloc (09022015). Collection method: clinical testing. Allele origin: germline.
Comment: In summary, the available evidence is currently insufficient to determine the role of this variant in disease. Therefore, it has been classified as a Variant of Uncertain Significance. Algorithms developed to predict the effect of missense changes on protein structure and function are either unavailable or do not agree on the potential impact of this missense change (SIFT: "Deleterious"; PolyPhen-2: "Probably Damaging"; Align-GVGD: "Class C0"). This variant has not been reported in the literature in individuals affected with HERC1-related conditions. This variant is not present in population databases (gnomAD no frequency). This sequence change replaces glycine, which is neutral and non-polar, with alanine, which is neutral and non-polar, at codon 639 of the HERC1 protein (p.Gly639Ala).